The following is an entry in ClinVar:

NM_015057.5(MYCBP2):c.-27GCG[6]

Genes: MYCBP2 (MYC binding protein 2; minus strand), LOC130009921 (ATAC-STARR-seq lymphoblastoid silent region 5419; plus strand). Cytogenetic location: 13q22.3.
Variant type: Microsatellite.
Coding change: c.-27GCG[6] on transcript NM_015057.5 (MANE Select); six copies in a row of the 3-base unit GCG starting at c.-27; the reference has eight copies in a row; two copies, 6 bases deleted.
Molecular consequence: 5 prime UTR variant.
Genome position (GRCh38, 1-based): chr13:77,326,779-77,326,784, CGCCGC deleted on the plus strand (GCGGCG on the coding strand, the reverse complement: MYCBP2 is on the minus strand); deleting any 6 consecutive bases within chr13:77,326,779-77,326,803 gives the same sequence; the position shown is the placement nearest the transcript's 3' end. VCF-style (leftmost placement, unchanged base first): chr13-77326778-TCGCCGC-T. GRCh37 (hg19) VCF-style: chr13-77900913-TCGCCGC-T.
Identifiers: ClinVar variation 4984549 (VCV004984549.1).
Genomic context (GRCh38, chr13:77,326,778, plus strand): 5'-CCCCGCCGAGCCCCGAGGAGGCGGCGGCGGGGGAGGCAGTCGCTGCGCACATCATCATCC[TCGCCGC>T]CGCCGCCGCCGCCGCCGCCTCGTCCCCGCGGGCCGGGCGGGCAGACACGCGCGCGCACAC-3'

ClinVar aggregate classification (germline): Likely benign (1 of 4 stars; one submission).

Conditions:
MYCBP2-related disorder. Also called: MYCBP2-related condition.

Submission:

PreventionGenetics, part of Exact Sciences
Classification: Likely benign for MYCBP2-related condition. Last evaluated: 2025-12-16. Review status: criteria provided, single submitter. Criteria: ACMG Guidelines, 2015. Collection method: clinical testing. Allele origin: germline.
Comment: This variant is classified as likely benign based on ACMG/AMP sequence variant interpretation guidelines (Richards et al. 2015 PMID: 25741868, with internal and published modifications).